The following is an entry in ClinVar:

NM_030957.4(ADAMTS10):c.172C>T (p.Pro58Ser)

Gene: ADAMTS10 (ADAM metallopeptidase with thrombospondin type 1 motif 10; minus strand). Cytogenetic location: 19p13.2.
Variant type: single nucleotide variant.
Coding change: c.172C>T on transcript NM_030957.4 (MANE Select); coding-DNA position 172, C replaced by T.
Protein change: p.Pro58Ser; replaces proline 58 with serine.
Molecular consequence: missense variant.
Genome position (GRCh38, 1-based): chr19:8,605,275, G>A on the plus strand (C>T on the coding strand, the complement: ADAMTS10 is on the minus strand). VCF-style: chr19-8605275-G-A. GRCh37 (hg19) VCF-style: chr19-8670160-G-A.
Other names: c.172C>T (NM_030957.2); short protein forms P58S.
Identifiers: ClinVar variation 1713905 (VCV001713905.6), dbSNP rs1600121132, ClinGen allele CA403757797.

ClinVar aggregate classification (germline): Uncertain significance. Review status: criteria provided, multiple submitters, no conflicts (2 of 4 stars). 2 submissions from 2 submitters: Uncertain significance (2). Last evaluated 2025-09-05.

Conditions:
Inborn genetic diseases. Identifiers: MedGen C0950123, MeSH D030342.

Submissions (2):

Ambry Genetics
Classification: Uncertain significance for Inborn genetic diseases. Last evaluated: 2025-09-05. Review status: criteria provided, single submitter. Criteria: Ambry Variant Classification Scheme 2023. Collection method: clinical testing. Allele origin: germline.

Labcorp Genetics (formerly Invitae), Labcorp
Classification: Uncertain significance. Last evaluated: 2024-07-12. Review status: criteria provided, single submitter. Criteria: Invitae Variant Classification Sherloc (09022015). Collection method: clinical testing. Allele origin: germline.
Comment: This sequence change replaces proline, which is neutral and non-polar, with serine, which is neutral and polar, at codon 58 of the ADAMTS10 protein (p.Pro58Ser). This variant is not present in population databases (gnomAD no frequency). This variant has not been reported in the literature in individuals affected with ADAMTS10-related conditions. ClinVar contains an entry for this variant (Variation ID: 1713905). An algorithm developed to predict the effect of missense changes on protein structure and function (PolyPhen-2) suggests that this variant is likely to be tolerated. In summary, the available evidence is currently insufficient to determine the role of this variant in disease. Therefore, it has been classified as a Variant of Uncertain Significance.